The following is an entry in ClinVar:

ClinVar aggregate classification (germline): Uncertain significance (1 of 4 stars; one submission).

gnomAD v4.1: 4 of 1,612,846 alleles (0.00025%); highest among the groups gnomAD compares: Non-Finnish European, 0.00034%; no homozygotes.

Submission:

Labcorp Genetics (formerly Invitae), Labcorp
Classification: Uncertain significance. Last evaluated: 2024-05-15. Review status: criteria provided, single submitter. Criteria: Invitae Variant Classification Sherloc (09022015). Collection method: clinical testing. Allele origin: germline.
Comment: This sequence change replaces alanine, which is neutral and non-polar, with glutamic acid, which is acidic and polar, at codon 298 of the SPPL2A protein (p.Ala298Glu). This variant is not present in population databases (gnomAD no frequency). This variant has not been reported in the literature in individuals affected with SPPL2A-related conditions. An algorithm developed to predict the effect of missense changes on protein structure and function (PolyPhen-2) suggests that this variant is likely to be disruptive. In summary, the available evidence is currently insufficient to determine the role of this variant in disease. Therefore, it has been classified as a Variant of Uncertain Significance.

NM_032802.4(SPPL2A):c.893C>A (p.Ala298Glu)

Gene: SPPL2A (signal peptide peptidase like 2A; minus strand). Cytogenetic location: 15q21.2.
Variant type: single nucleotide variant.
Coding change: c.893C>A on transcript NM_032802.4 (MANE Select); coding-DNA position 893, C replaced by A.
Protein change: p.Ala298Glu; replaces alanine 298 with glutamic acid.
Molecular consequence: missense variant.
Genome position (GRCh38, 1-based): chr15:50,736,140, G>T on the plus strand (C>A on the coding strand, the complement: SPPL2A is on the minus strand). VCF-style: chr15-50736140-G-T. GRCh37 (hg19) VCF-style: chr15-51028337-G-T.
Other names: short protein forms A298E.
Identifiers: ClinVar variation 3607697 (VCV003607697.2).